The following is an entry in ClinVar:

NM_003738.5(PTCH2):c.1083+4G>A

Gene: PTCH2 (patched 2; minus strand). Cytogenetic location: 1p34.1.
Variant type: single nucleotide variant.
Coding change: c.1083+4G>A on transcript NM_003738.5 (MANE Select); 4 bases into the intron after coding-DNA position 1083, G replaced by A.
Molecular consequence: intron variant.
Genome position (GRCh38, 1-based): chr1:44,829,610, C>T on the plus strand (G>A on the coding strand, the complement: PTCH2 is on the minus strand). VCF-style: chr1-44829610-C-T. GRCh37 (hg19) VCF-style: chr1-45295282-C-T.
Other names: c.1083+4G>A (NM_001166292.2, NM_003738.4).
Identifiers: ClinVar variation 1419428 (VCV001419428.8), dbSNP rs370819522, ClinGen allele CA823443.

ClinVar aggregate classification (germline): Uncertain significance. Review status: criteria provided, single submitter (1 of 4 stars). 2 submissions from 2 submitters: Uncertain significance (1). 1 of the submissions does not count toward it. Last evaluated 2025-08-07.

Conditions:
Gorlin syndrome. Also called: Nevoid Basal Cell Carcinoma Syndrome; Basal cell nevus syndrome. Identifiers: Orphanet 377, MedGen C0004779, MONDO:0007187.
PTCH2-related disorder. Also called: PTCH2-related disease; PTCH2-related condition.

Allele frequency attached by ClinVar (database versions not stated): gnomAD exomes 0.00001 and 0.00003; ExAC 0.00004; ESP Exome Variant Server 0.00008; 1000 Genomes Project 30x 0.00016; 1000 Genomes Project 0.00020.
gnomAD v4.1: 21 of 1,614,174 alleles (0.0013%); highest among the groups gnomAD compares: South Asian, 0.0077%; no homozygotes.

Submissions (2):

Labcorp Genetics (formerly Invitae), Labcorp
Classification: Uncertain significance for Gorlin syndrome. Last evaluated: 2025-08-07. Review status: criteria provided, single submitter. Criteria: Invitae Variant Classification Sherloc (09022015). Collection method: clinical testing. Allele origin: germline.
Comment: This sequence change falls in intron 8 of the PTCH2 gene. It does not directly change the encoded amino acid sequence of the PTCH2 protein. It affects a nucleotide within the consensus splice site. This variant is present in population databases (rs370819522, gnomAD 0.006%). This variant has not been reported in the literature in individuals affected with PTCH2-related conditions. ClinVar contains an entry for this variant (Variation ID: 1419428). Variants that disrupt the consensus splice site are a relatively common cause of aberrant splicing (PMID: 17576681, 9536098). Algorithms developed to predict the effect of sequence changes on RNA splicing suggest that this variant is not likely to affect RNA splicing. In summary, the available evidence is currently insufficient to determine the role of this variant in disease. Therefore, it has been classified as a Variant of Uncertain Significance.

PreventionGenetics, part of Exact Sciences
Classification: Likely benign for PTCH2-related condition. Last evaluated: 2020-06-05. Review status: no assertion criteria provided. Collection method: clinical testing. Allele origin: germline. Not counted in ClinVar's aggregate classification.
Comment: This variant is classified as likely benign based on ACMG/AMP sequence variant interpretation guidelines (Richards et al. 2015 PMID: 25741868, with internal and published modifications).

Literature cited by the submitters: PubMed 17576681 (cited by Labcorp Genetics (formerly Invitae), Labcorp); PubMed 9536098 (cited by Labcorp Genetics (formerly Invitae), Labcorp).